The following is an entry in ClinVar:

NM_000038.6(APC):c.8044G>A (p.Val2682Met)

Gene: APC (APC regulator of Wnt signaling pathway; plus strand). Cytogenetic location: 5q22.2.
Variant type: single nucleotide variant.
Coding change: c.8044G>A on transcript NM_000038.6 (MANE Select); coding-DNA position 8044, G replaced by A.
Protein change: p.Val2682Met; replaces valine 2682 with methionine.
Molecular consequence: missense variant.
Genome position (GRCh38, 1-based): chr5:112,843,638, G>A. VCF-style: chr5-112843638-G-A. GRCh37 (hg19) VCF-style: chr5-112179335-G-A.
Other names: c.8044G>A, p.Val2682Met (NM_001127510.3, NM_001354895.2); c.7990G>A, p.Val2664Met (NM_001127511.3); c.8098G>A, p.Val2700Met (NM_001354896.2); c.8074G>A, p.Val2692Met (NM_001354897.2); c.7969G>A, p.Val2657Met (NM_001354898.2); c.7960G>A, p.Val2654Met (NM_001354899.2); c.7921G>A, p.Val2641Met (NM_001354900.2); c.7867G>A, p.Val2623Met (NM_001354901.2); and 5 more; short protein forms V2399M, V2522M, V2556M, V2581M, V2591M, V2623M, V2641M, V2654M.
Identifiers: ClinVar variation 1018614 (VCV001018614.10), dbSNP rs1554088862, ClinGen allele CA16038794.

ClinVar aggregate classification (germline): Uncertain significance (1 of 4 stars; one submission).

Conditions:
Familial adenomatous polyposis 1 (FAP1). Also called: POLYPOSIS, ADENOMATOUS INTESTINAL; FAMILIAL ADENOMATOUS POLYPOSIS 1, ATTENUATED. Identifiers: MedGen C2713442, MONDO:0021056, OMIM 175100. Disease mechanism: loss of function.

Submission:

Labcorp Genetics (formerly Invitae), Labcorp
Classification: Uncertain significance for Familial adenomatous polyposis 1. Last evaluated: 2020-06-24. Review status: criteria provided, single submitter. Criteria: Invitae Variant Classification Sherloc (09022015). Collection method: clinical testing. Allele origin: germline.
Comment: This sequence change replaces valine with methionine at codon 2682 of the APC protein (p.Val2682Met). The valine residue is highly conserved and there is a small physicochemical difference between valine and methionine. This variant is not present in population databases (ExAC no frequency). This variant has not been reported in the literature in individuals with APC-related conditions. Algorithms developed to predict the effect of missense changes on protein structure and function are either unavailable or do not agree on the potential impact of this missense change (SIFT: "Deleterious"; PolyPhen-2: "Probably Damaging"; Align-GVGD: "Class C0"). In summary, the available evidence is currently insufficient to determine the role of this variant in disease. Therefore, it has been classified as a Variant of Uncertain Significance.